The following is an entry in ClinVar:

NM_002972.4(SBF1):c.1432-3C>T

Gene: SBF1 (SET binding factor 1; minus strand). Cytogenetic location: 22q13.33.
Variant type: single nucleotide variant.
Coding change: c.1432-3C>T on transcript NM_002972.4 (MANE Select); 3 bases into the intron before coding-DNA position 1432, C replaced by T.
Molecular consequence: intron variant.
Genome position (GRCh38, 1-based): chr22:50,464,741, G>A on the plus strand (C>T on the coding strand, the complement: SBF1 is on the minus strand). VCF-style: chr22-50464741-G-A. GRCh37 (hg19) VCF-style: chr22-50903170-G-A.
Other names: c.1435-3C>T (NM_001365819.1).
Identifiers: ClinVar variation 1444929 (VCV001444929.6), dbSNP rs761815678, ClinGen allele CA10317647.
Genomic context (GRCh38, chr22:50,464,741, plus strand): 5'-GGCTGCTCTCACCGGGCCTCTGTACCTTGTGCATCGCCACGGCTGGGTACGGGTTCTCCT[G>A]TGGGGAGACGGCAGGTGTGGGGCAGGGGCCCAGGGATCAAGGCGGTACGACGCCCTCCCG-3'

ClinVar aggregate classification (germline): Uncertain significance (1 of 4 stars; one submission).

Allele frequency attached by ClinVar (database versions not stated): gnomAD exomes 0.00002; ExAC 0.00003.
gnomAD v4.1: 12 of 1,608,480 alleles (0.00075%); highest among the groups gnomAD compares: South Asian, 0.0055%; no homozygotes.

Submission:

Labcorp Genetics (formerly Invitae), Labcorp
Classification: Uncertain significance. Last evaluated: 2021-06-15. Review status: criteria provided, single submitter. Criteria: Invitae Variant Classification Sherloc (09022015). Collection method: clinical testing. Allele origin: germline.
Comment: This sequence change falls in intron 13 of the SBF1 gene. It does not directly change the encoded amino acid sequence of the SBF1 protein. It affects a nucleotide within the consensus splice site of the intron. This variant is present in population databases (rs761815678, ExAC 0.006%). This variant has not been reported in the literature in individuals with SBF1-related conditions. Nucleotide substitutions within the consensus splice site are a relatively common cause of aberrant splicing (PMID: 17576681, 9536098). Algorithms developed to predict the effect of sequence changes on RNA splicing suggest that this variant is not likely to affect RNA splicing, but this prediction has not been confirmed by published transcriptional studies. In summary, the available evidence is currently insufficient to determine the role of this variant in disease. Therefore, it has been classified as a Variant of Uncertain Significance.

Literature cited by the submitters: PubMed 17576681; PubMed 9536098.